The following is an entry in ClinVar:

NC_000002.12:g.(?_232136462)_(232136729_?)del

Gene: DIS3L2 (DIS3 like 3'-5' exoribonuclease 2; plus strand). Cytogenetic location: 2q37.1.
Variant type: Deletion.
Identifiers: ClinVar variation 584149 (VCV000584149.3).

ClinVar aggregate classification (germline): Pathogenic (1 of 4 stars; one submission).

Conditions:
Perlman syndrome (PRLMNS). Identifiers: Orphanet 2849, MedGen C0796113, MONDO:0009965, OMIM 267000.

Submission:

Labcorp Genetics (formerly Invitae), Labcorp
Classification: Pathogenic for Perlman syndrome. Last evaluated: 2022-07-25. Review status: criteria provided, single submitter. Criteria: Invitae Variant Classification Sherloc (09022015). Collection method: clinical testing. Allele origin: germline.
Comment: For these reasons, this variant has been classified as Pathogenic. This variant has not been reported in the literature in individuals affected with DIS3L2-related conditions. This variant is a gross deletion of the genomic region encompassing exon(s) 8 of the DIS3L2 gene. This deletion is out-of-frame, and is expected to create a premature termination codon and result in an absent or disrupted protein product. Loss-of-function variants in DIS3L2 are known to be pathogenic (PMID: 22306653, 28328139).

Literature cited by the submitters: PubMed 22306653; PubMed 28328139.